The following is an entry in ClinVar:

ClinVar aggregate classification (germline): Uncertain significance (1 of 4 stars; one submission).

Conditions:
Ataxia-telangiectasia syndrome (AT). Also called: Ataxia-telangiectasia, complementation group D; AT, COMPLEMENTATION GROUP C; ATAXIA-TELANGIECTASIA, COMPLEMENTATION GROUP A; ATAXIA-TELANGIECTASIA, FRESNO VARIANT; Ataxia-telangiectasia; Ataxia-telangiectasia, complementation group E. Identifiers: Orphanet 100, MedGen C0004135, MONDO:0008840, OMIM 208900.

Submission:

Labcorp Genetics (formerly Invitae), Labcorp
Classification: Uncertain significance for Ataxia-telangiectasia syndrome. Last evaluated: 2024-02-23. Review status: criteria provided, single submitter. Criteria: Invitae Variant Classification Sherloc (09022015). Collection method: clinical testing. Allele origin: germline.
Comment: This sequence change replaces glycine, which is neutral and non-polar, with arginine, which is basic and polar, at codon 2772 of the ATM protein (p.Gly2772Arg). This variant is not present in population databases (gnomAD no frequency). This missense change has been observed in individual(s) with breast cancer (PMID: 11606401, 19781682). An algorithm developed to predict the effect of missense changes on protein structure and function (PolyPhen-2) suggests that this variant is likely to be disruptive. Experimental studies have shown that this missense change does not substantially affect ATM function (PMID: 11805335). In summary, the available evidence is currently insufficient to determine the role of this variant in disease. Therefore, it has been classified as a Variant of Uncertain Significance.

Literature cited by the submitters: PubMed 11606401; PubMed 19781682; PubMed 11805335.

NM_000051.4(ATM):c.8314G>C (p.Gly2772Arg)

Genes: ATM (ATM serine/threonine kinase; plus strand), C11orf65 (chromosome 11 open reading frame 65; minus strand). Cytogenetic location: 11q22.3.
Variant type: single nucleotide variant.
Coding change: c.8314G>C on transcript NM_000051.4 (MANE Select); coding-DNA position 8314, G replaced by C.
Protein change: p.Gly2772Arg; replaces glycine 2772 with arginine.
Molecular consequence: missense variant. On other transcripts: intron variant (2).
Genome position (GRCh38, 1-based): chr11:108,343,267, G>C. VCF-style: chr11-108343267-G-C. GRCh37 (hg19) VCF-style: chr11-108213994-G-C.
Other names: c.8314G>C, p.Gly2772Arg (NM_001351834.2); c.641-34196C>G (NM_001330368.2); c.695-7975C>G (NM_001351110.2); short protein forms G2772R.
Identifiers: ClinVar variation 3696489 (VCV003696489.2).
Genomic context (GRCh38, chr11:108,343,267, plus strand): 5'-AATCTGTAACTCCAGGTGGTTCCCCTCTCTCAGCGAAGTGGTGTTCTTGAATGGTGCACA[G>C]GAACTGTCCCCATTGGTGAATTTCTTGTTAACAATGAAGATGGTGCTCATAAAAGATACA-3'
Protein context (NP_000042.3, residues 2762-2782): QRSGVLEWCT[Gly2772Arg]TVPIGEFLVN